The following is an entry in ClinVar:

NM_000432.4(MYL2):c.151G>T (p.Asp51Tyr)

Gene: MYL2 (myosin light chain 2; minus strand). Cytogenetic location: 12q24.11.
Variant type: single nucleotide variant.
Coding change: c.151G>T on transcript NM_000432.4 (MANE Select); coding-DNA position 151, G replaced by T.
Protein change: p.Asp51Tyr; replaces aspartic acid 51 with tyrosine.
Molecular consequence: missense variant.
Genome position (GRCh38, 1-based): chr12:110,915,733, C>A on the plus strand (G>T on the coding strand, the complement: MYL2 is on the minus strand). VCF-style: chr12-110915733-C-A. GRCh37 (hg19) VCF-style: chr12-111353537-C-A.
Other names: short protein forms D51Y.
Identifiers: ClinVar variation 921647 (VCV000921647.4), dbSNP rs2071683858, ClinGen allele CA386699239.
Genomic context (GRCh38, chr12:110,915,733, plus strand): 5'-AGATAAAGAGACCCTCATGCAGGGCTAGAGAGGGTGACATACCAAGGGCAGCAAAGGTGT[C>A]TCTCAGATCGTTCTTGTCAATGAAGCCATCCCTGTTCTGGTCCATGATAGTGAAGGCCTG-3'
Protein context (NP_000423.2, residues 41-61): DGFIDKNDLR[Asp51Tyr]TFAALGRVNV

ClinVar aggregate classification (germline): Uncertain significance (1 of 4 stars; one submission).

Conditions:
Cardiomyopathy (CMYO). Also called: Cardiomyopathies. Identifiers: Orphanet 167848, MedGen C0878544, MONDO:0004994, HP:0001638. Inheritance: Various modes of inheritance.

Submission:

Color Diagnostics, LLC DBA Color Health
Classification: Uncertain significance for Cardiomyopathy. Last evaluated: 2023-12-05. Review status: criteria provided, single submitter. Criteria: ACMG Guidelines, 2015. Collection method: clinical testing. Allele origin: germline.
Comment: This missense variant replaces aspartic acid with tyrosine at codon 51 of the MYL2 protein. Computational prediction is inconclusive regarding the impact of this variant on protein structure and function (internally defined REVEL score threshold 0.5 < inconclusive < 0.7, PMID: 27666373). To our knowledge, functional studies have not been reported for this variant. This variant has not been reported in individuals affected with MYL2-related disorders in the literature. This variant has not been identified in the general population by the Genome Aggregation Database (gnomAD). The available evidence is insufficient to determine the role of this variant in disease conclusively. Therefore, this variant is classified as a Variant of Uncertain Significance.